The following is an entry in ClinVar:

ClinVar aggregate classification (germline): Uncertain significance (1 of 4 stars; one submission).

Conditions:
PHGDH deficiency. Identifiers: Orphanet 79351, MedGen C1866174, MONDO:0011152, OMIM 601815.

Allele frequency attached by ClinVar (database versions not stated): gnomAD exomes 0.00001.
gnomAD v4.1: 11 of 1,614,024 alleles (0.00068%); highest among the groups gnomAD compares: Non-Finnish European, 0.00093%; no homozygotes.

Submission:

Labcorp Genetics (formerly Invitae), Labcorp
Classification: Uncertain significance for PHGDH deficiency. Last evaluated: 2021-09-17. Review status: criteria provided, single submitter. Criteria: Invitae Variant Classification Sherloc (09022015). Collection method: clinical testing. Allele origin: germline.
Comment: This sequence change replaces proline with alanine at codon 176 of the PHGDH protein (p.Pro176Ala). The proline residue is highly conserved and there is a small physicochemical difference between proline and alanine. This variant is not present in population databases (ExAC no frequency). This variant has not been reported in the literature in individuals affected with PHGDH-related conditions. Algorithms developed to predict the effect of missense changes on protein structure and function are either unavailable or do not agree on the potential impact of this missense change (SIFT: "Tolerated"; PolyPhen-2: "Probably Damaging"; Align-GVGD: "Class C0"). In summary, the available evidence is currently insufficient to determine the role of this variant in disease. Therefore, it has been classified as a Variant of Uncertain Significance.

NM_006623.4(PHGDH):c.526C>G (p.Pro176Ala)

Gene: PHGDH (phosphoglycerate dehydrogenase; plus strand). Cytogenetic location: 1p12.
Variant type: single nucleotide variant.
Coding change: c.526C>G on transcript NM_006623.4 (MANE Select); coding-DNA position 526, C replaced by G.
Protein change: p.Pro176Ala; replaces proline 176 with alanine.
Molecular consequence: missense variant.
Genome position (GRCh38, 1-based): chr1:119,734,649, C>G. VCF-style: chr1-119734649-C-G. GRCh37 (hg19) VCF-style: chr1-120277272-C-G.
Other names: short protein forms P176A.
Identifiers: ClinVar variation 1482203 (VCV001482203.5), dbSNP rs1031257536, ClinGen allele CA30259721.